The following is an entry in ClinVar:

NM_145290.4(ADGRA3):c.1666A>T (p.Thr556Ser)

Gene: ADGRA3 (adhesion G protein-coupled receptor A3; minus strand). Cytogenetic location: 4p15.2.
Variant type: single nucleotide variant.
Coding change: c.1666A>T on transcript NM_145290.4 (MANE Select); coding-DNA position 1666, A replaced by T.
Protein change: p.Thr556Ser; replaces threonine 556 with serine.
Molecular consequence: missense variant.
Genome position (GRCh38, 1-based): chr4:22,421,029, T>A on the plus strand (A>T on the coding strand, the complement: ADGRA3 is on the minus strand). VCF-style: chr4-22421029-T-A. GRCh37 (hg19) VCF-style: chr4-22422652-T-A.
Other names: short protein forms T556S.
Identifiers: ClinVar variation 1038241 (VCV001038241.9), dbSNP rs1246867013, ClinGen allele CA356480998.

ClinVar aggregate classification (germline): Uncertain significance (1 of 4 stars; one submission).

Allele frequency attached by ClinVar (database versions not stated): gnomAD exomes below 0.00001 and 0.00001; gnomAD 0.00001.
gnomAD v4.1: 13 of 1,613,828 alleles (0.00081%); highest among the groups gnomAD compares: African/African-American, 0.0013%; no homozygotes.

Submission:

Labcorp Genetics (formerly Invitae), Labcorp
Classification: Uncertain significance. Last evaluated: 2020-02-02. Review status: criteria provided, single submitter. Criteria: Invitae Variant Classification Sherloc (09022015). Collection method: clinical testing. Allele origin: germline.
Comment: This variant has not been reported in the literature in individuals with ADGRA3-related conditions. This variant is not present in population databases (ExAC no frequency). This sequence change replaces threonine with serine at codon 556 of the ADGRA3 protein (p.Thr556Ser). The threonine residue is highly conserved and there is a small physicochemical difference between threonine and serine. Algorithms developed to predict the effect of missense changes on protein structure and function (SIFT, PolyPhen-2, Align-GVGD) all suggest that this variant is likely to be tolerated, but these predictions have not been confirmed by published functional studies and their clinical significance is uncertain. In summary, the available evidence is currently insufficient to determine the role of this variant in disease. Therefore, it has been classified as a Variant of Uncertain Significance.